The following is an entry in ClinVar:

ClinVar aggregate classification (germline): Uncertain significance (1 of 4 stars; one submission).

Conditions:
Proline dehydrogenase deficiency (HYRPRO1). Also called: PROLINE OXIDASE DEFICIENCY; Hyperprolinemia type 1. Identifiers: Orphanet 419, MedGen C0268529, MONDO:0009400, OMIM 239500.

Submission:

Labcorp Genetics (formerly Invitae), Labcorp
Classification: Uncertain significance for Proline dehydrogenase deficiency. Last evaluated: 2024-04-08. Review status: criteria provided, single submitter. Criteria: Invitae Variant Classification Sherloc (09022015). Collection method: clinical testing. Allele origin: germline.
Comment: This sequence change replaces arginine, which is basic and polar, with leucine, which is neutral and non-polar, at codon 198 of the PRODH protein (p.Arg198Leu). This variant is not present in population databases (gnomAD no frequency). This variant has not been reported in the literature in individuals affected with PRODH-related conditions. ClinVar contains an entry for this variant (Variation ID: 1897547). Advanced modeling of protein sequence and biophysical properties (such as structural, functional, and spatial information, amino acid conservation, physicochemical variation, residue mobility, and thermodynamic stability) performed at Invitae indicates that this missense variant is not expected to disrupt PRODH protein function with a negative predictive value of 80%. In summary, the available evidence is currently insufficient to determine the role of this variant in disease. Therefore, it has been classified as a Variant of Uncertain Significance.

NM_016335.6(PRODH):c.593G>T (p.Arg198Leu)

Gene: PRODH (proline dehydrogenase 1; minus strand). Cytogenetic location: 22q11.21.
Variant type: single nucleotide variant.
Coding change: c.593G>T on transcript NM_016335.6 (MANE Select); coding-DNA position 593, G replaced by T.
Protein change: p.Arg198Leu; replaces arginine 198 with leucine.
Molecular consequence: missense variant.
Genome position (GRCh38, 1-based): chr22:18,925,125, C>A on the plus strand (G>T on the coding strand, the complement: PRODH is on the minus strand). VCF-style: chr22-18925125-C-A. GRCh37 (hg19) VCF-style: chr22-18912638-C-A.
Other names: c.269G>T, p.Arg90Leu (NM_001195226.2, NM_001368250.2); short protein forms R198L, R90L.
Identifiers: ClinVar variation 1897547 (VCV001897547.5), dbSNP rs1292475579, ClinGen allele CA410649184.